The following is an entry in ClinVar:

ClinVar aggregate classification (germline): Pathogenic. Review status: criteria provided, multiple submitters, no conflicts (2 of 4 stars). 3 submissions from 3 submitters: Pathogenic (3). Last evaluated 2022-03-15.

Conditions:
Neurofibromatosis, type 1 (NF1). Also called: Neurofibromatosis, type I; VON RECKLINGHAUSEN DISEASE; NEUROFIBROMATOSIS, TYPE I, SOMATIC; Peripheral type neurofibromatosis. Identifiers: Orphanet 636, MedGen C0027831, MONDO:0018975, OMIM 162200. Disease mechanism: loss of function.

Submissions (3):

Genome-Nilou Lab
Classification: Pathogenic for Neurofibromatosis, type 1. Last evaluated: 2022-03-15. Review status: criteria provided, single submitter. Criteria: ACMG Guidelines, 2015. Collection method: clinical testing. Allele origin: germline. Affected: no.

Labcorp Genetics (formerly Invitae), Labcorp
Classification: Pathogenic for Neurofibromatosis, type 1. Last evaluated: 2021-08-06. Review status: criteria provided, single submitter. Criteria: Invitae Variant Classification Sherloc (09022015). Collection method: clinical testing. Allele origin: germline.
Comment: This sequence change creates a premature translational stop signal (p.Asn1335Lysfs*10) in the NF1 gene. It is expected to result in an absent or disrupted protein product. Loss-of-function variants in NF1 are known to be pathogenic (PMID: 10712197, 23913538). This variant is not present in population databases (ExAC no frequency). This variant has not been reported in the literature in individuals affected with NF1-related conditions. ClinVar contains an entry for this variant (Variation ID: 996437). For these reasons, this variant has been classified as Pathogenic.

Genome Diagnostics Laboratory, The Hospital for Sick Children
Classification: Pathogenic for Neurofibromatosis, type 1. Last evaluated: 2020-10-26. Review status: criteria provided, single submitter. Criteria: ACMG Guidelines, 2015. Collection method: clinical testing. Allele origin: germline. Affected: yes.

Literature cited by the submitters: PubMed 10712197 (cited by Labcorp Genetics (formerly Invitae), Labcorp); PubMed 23913538 (cited by Labcorp Genetics (formerly Invitae), Labcorp).

NM_001042492.3(NF1):c.4004dup (p.Asn1335fs)

Gene: NF1 (neurofibromin 1; plus strand). Cytogenetic location: 17q11.2.
Variant type: Duplication.
Coding change: c.4004dup on transcript NM_001042492.3 (MANE Select); coding-DNA position 4004, one base duplicated (A; older notation c.4004dupA).
Protein change: p.Asn1335fs; shifts the reading frame from asparagine 1335.
Molecular consequence: frameshift variant.
Genome position (GRCh38, 1-based): chr17:31,249,013, A duplicated; the last of 4 consecutive A bases (chr17:31,249,010-31,249,013); duplicating any one gives the same sequence. VCF-style (leftmost placement, unchanged base first): chr17-31249009-G-GA. GRCh37 (hg19) VCF-style: chr17-29576027-G-GA.
Other names: c.4004dupA (NM_000267.3); c.4004dup, p.Asn1335Lysfs (NM_000267.4); short protein forms N1335fs.
Identifiers: ClinVar variation 996437 (VCV000996437.9), dbSNP rs2067448379, ClinGen allele CA2255566584.
Genomic context (GRCh38, chr17:31,249,009, plus strand): 5'-AAAAGTGTTAGGATTTTATTTTTATTTTTTTGTAGGTTAGAACCATCAGAGAGCCTTGAG[G>GA]AAAACCAGCGGAACCTCCTTCAGATGACTGAAAAGTTCTTCCATGCCATCATCAGTTCCT-3'